The following is an entry in ClinVar:

NM_018136.5(ASPM):c.8294A>C (p.Lys2765Thr)

Gene: ASPM (assembly factor for spindle microtubules; minus strand). Cytogenetic location: 1q31.3.
Variant type: single nucleotide variant.
Coding change: c.8294A>C on transcript NM_018136.5 (MANE Select); coding-DNA position 8294, A replaced by C.
Protein change: p.Lys2765Thr; replaces lysine 2765 with threonine.
Molecular consequence: missense variant. On other transcripts: intron variant (1).
Genome position (GRCh38, 1-based): chr1:197,100,957, T>G on the plus strand (A>C on the coding strand, the complement: ASPM is on the minus strand). VCF-style: chr1-197100957-T-G. GRCh37 (hg19) VCF-style: chr1-197070087-T-G.
Other names: c.4066-4793A>C (NM_001206846.2); short protein forms K2765T.
Identifiers: ClinVar variation 294607 (VCV000294607.10), dbSNP rs886045764, ClinGen allele CA10609287.

ClinVar aggregate classification (germline): Uncertain significance. Review status: criteria provided, multiple submitters, no conflicts (2 of 4 stars). 3 submissions from 3 submitters: Uncertain significance (3). Last evaluated 2023-04-11.

Conditions:
Microcephaly 5, primary, autosomal recessive (MCPH5). Also called: ASPM Primary Microcephaly. Identifiers: Orphanet 2512, MedGen C1837501, MONDO:0012106, OMIM 608716.

Allele frequency attached by ClinVar (database versions not stated): gnomAD exomes below 0.00001.
gnomAD v4.1: 5 of 1,612,650 alleles (0.00031%); highest among the groups gnomAD compares: Non-Finnish European, 0.00042%; no homozygotes.

Submissions (3):

Genome-Nilou Lab
Classification: Uncertain significance for Microcephaly 5, primary, autosomal recessive. Last evaluated: 2023-04-11. Review status: criteria provided, single submitter. Criteria: ACMG Guidelines, 2015. Collection method: clinical testing. Allele origin: germline. Affected: no.

Labcorp Genetics (formerly Invitae), Labcorp
Classification: Uncertain significance. Last evaluated: 2022-11-15. Review status: criteria provided, single submitter. Criteria: Invitae Variant Classification Sherloc (09022015). Collection method: clinical testing. Allele origin: germline.
Comment: ClinVar contains an entry for this variant (Variation ID: 294607). This variant has not been reported in the literature in individuals affected with ASPM-related conditions. This variant is not present in population databases (gnomAD no frequency). This sequence change replaces lysine, which is basic and polar, with threonine, which is neutral and polar, at codon 2765 of the ASPM protein (p.Lys2765Thr). Algorithms developed to predict the effect of missense changes on protein structure and function (SIFT, PolyPhen-2, Align-GVGD) all suggest that this variant is likely to be tolerated. In summary, the available evidence is currently insufficient to determine the role of this variant in disease. Therefore, it has been classified as a Variant of Uncertain Significance.

Illumina Laboratory Services, Illumina
Classification: Uncertain significance for Microcephaly 5, primary, autosomal recessive. Last evaluated: 2018-01-12. Review status: criteria provided, single submitter. Criteria: ICSL Variant Classification Criteria 13 December 2019. Collection method: clinical testing. Allele origin: germline.